The following is an entry in ClinVar:

ClinVar aggregate classification (germline): Uncertain significance (1 of 4 stars; one submission).

Allele frequency attached by ClinVar (database versions not stated): TOPMed below 0.00001.
gnomAD v4.1: 7 of 1,614,116 alleles (0.00043%); highest among the groups gnomAD compares: Admixed American, 0.0017%; no homozygotes.

Submission:

Labcorp Genetics (formerly Invitae), Labcorp
Classification: Uncertain significance. Last evaluated: 2023-05-02. Review status: criteria provided, single submitter. Criteria: Invitae Variant Classification Sherloc (09022015). Collection method: clinical testing. Allele origin: germline.
Comment: This sequence change replaces aspartic acid, which is acidic and polar, with asparagine, which is neutral and polar, at codon 230 of the PPARG protein (p.Asp230Asn). In summary, the available evidence is currently insufficient to determine the role of this variant in disease. Therefore, it has been classified as a Variant of Uncertain Significance. Experimental studies have shown that this missense change does not substantially affect PPARG function (PMID: 27749844). Advanced modeling of protein sequence and biophysical properties (such as structural, functional, and spatial information, amino acid conservation, physicochemical variation, residue mobility, and thermodynamic stability) performed at Invitae indicates that this missense variant is not expected to disrupt PPARG protein function. This missense change has been observed in individual(s) with suspected monogenic diabetes (PMID: 27749844). This variant is not present in population databases (gnomAD no frequency).

Literature cited by the submitters: PubMed 27749844.

NM_138711.6(PPARG):c.598G>A (p.Asp200Asn)

Genes: PPARG (peroxisome proliferator activated receptor gamma; plus strand), LOC114803475 (PPARG eExon liver enhancer; plus strand). Cytogenetic location: 3p25.2.
Variant type: single nucleotide variant.
Coding change: c.598G>A on transcript NM_138711.6 (MANE Select); coding-DNA position 598, G replaced by A.
Protein change: p.Asp200Asn; replaces aspartic acid 200 with asparagine.
Molecular consequence: missense variant. On other transcripts: intron variant (1).
Genome position (GRCh38, 1-based): chr3:12,405,950, G>A. VCF-style: chr3-12405950-G-A. GRCh37 (hg19) VCF-style: chr3-12447449-G-A.
Other names: c.598G>A, p.Asp200Asn (NM_001374262.3, NM_001374263.2, NM_001374264.2 and 6 more transcripts); c.688G>A, p.Asp230Asn (NM_001374265.1, NM_015869.5, NM_001354668.2); c.604G>A, p.Asp202Asn (NM_001374266.1, NM_001354670.2); c.103-10754G>A (NM_001354669.2); short protein forms D230N, D200N, D202N.
Identifiers: ClinVar variation 2734443 (VCV002734443.3), dbSNP rs763647203, ClinGen allele CA351618732.